The following is an entry in ClinVar:

NM_000455.5(STK11):c.*314G>C

Gene: STK11 (serine/threonine kinase 11; plus strand). Cytogenetic location: 19p13.3.
Variant type: single nucleotide variant.
Coding change: c.*314G>C on transcript NM_000455.5 (MANE Select); 314 bases downstream of the stop codon, G replaced by C.
Molecular consequence: 3 prime UTR variant. On other transcripts: non-coding transcript variant (1).
Genome position (GRCh38, 1-based): chr19:1,227,890, G>C. VCF-style: chr19-1227890-G-C. GRCh37 (hg19) VCF-style: chr19-1227889-G-C.
Identifiers: ClinVar variation 3905328 (VCV003905328.10).

ClinVar aggregate classification (germline): Likely benign (1 of 4 stars; one submission).

gnomAD v4.1: 86 of 1,069,492 alleles (0.008%); highest among the groups gnomAD compares: East Asian, 0.019%; no homozygotes.

Submission:

CeGaT Center for Human Genetics Tuebingen
Classification: Likely benign. Last evaluated: 2025-04-01. Review status: criteria provided, single submitter. Criteria: CeGaT Center For Human Genetics Tuebingen Variant Classification Criteria Version 2. Collection method: clinical testing. Allele origin: germline. Affected: yes. Observed: 1 variant allele.
Comment: STK11: BP4, BP7